The following is an entry in ClinVar:

NM_001458.5(FLNC):c.5390A>G (p.Glu1797Gly)

Genes: FLNC (filamin C; plus strand), FLNC-AS1 (FLNC antisense RNA 1; minus strand). Cytogenetic location: 7q32.1.
Variant type: single nucleotide variant.
Coding change: c.5390A>G on transcript NM_001458.5 (MANE Select); coding-DNA position 5390, A replaced by G.
Protein change: p.Glu1797Gly; replaces glutamic acid 1797 with glycine.
Molecular consequence: missense variant.
Genome position (GRCh38, 1-based): chr7:128,850,475, A>G. VCF-style: chr7-128850475-A-G. GRCh37 (hg19) VCF-style: chr7-128490529-A-G.
Other names: c.5291A>G, p.Glu1764Gly (NM_001127487.2); short protein forms E1764G, E1797G.
Identifiers: ClinVar variation 3752907 (VCV003752907.2).
Genomic context (GRCh38, chr7:128,850,475, plus strand): 5'-CAATGGAGTCCATGCTGAGGCCCTTCAACCTGGTCATCCCCTTCGCGGTGCAGAAAGGGG[A>G]GCTCACAGGTACTGCCCTGTGGCTCCCAGGCATGAGGGCTGAGGGGAGAAACCCTCTTCC-3'
Protein context (NP_001449.3, residues 1787-1807): LVIPFAVQKG[Glu1797Gly]LTGEVRMPSG

ClinVar aggregate classification (germline): Uncertain significance (1 of 4 stars; one submission).

Conditions:
Myofibrillar myopathy 5. Also called: Filaminopathy (type); FILAMINOPATHY, AUTOSOMAL DOMINANT. Identifiers: Orphanet 171445, MedGen C1836050, MONDO:0012289, OMIM 609524.
Distal myopathy with posterior leg and anterior hand involvement. Also called: WILLIAMS DISTAL MYOPATHY. Identifiers: Orphanet 63273, MedGen C3279722, MONDO:0013550, OMIM 614065.
Hypertrophic cardiomyopathy 26. Also called: Cardiomyopathy, familial hypertrophic, 26. Identifiers: Orphanet 75249, MedGen C4310749, MONDO:0014883, OMIM 617047.

gnomAD v4.1: 1 of 1,612,746 alleles (0.000062%); highest among the groups gnomAD compares: Non-Finnish European, 0.000085%; no homozygotes.

Submission:

Labcorp Genetics (formerly Invitae), Labcorp
Classification: Uncertain significance for Distal myopathy with posterior leg and anterior hand involvement; Myofibrillar myopathy 5; Hypertrophic cardiomyopathy 26. Last evaluated: 2024-11-25. Review status: criteria provided, single submitter. Criteria: Invitae Variant Classification Sherloc (09022015). Collection method: clinical testing. Allele origin: germline.
Comment: This sequence change replaces glutamic acid, which is acidic and polar, with glycine, which is neutral and non-polar, at codon 1797 of the FLNC protein (p.Glu1797Gly). This variant is not present in population databases (gnomAD no frequency). This variant has not been reported in the literature in individuals affected with FLNC-related conditions. Invitae Evidence Modeling of protein sequence and biophysical properties (such as structural, functional, and spatial information, amino acid conservation, physicochemical variation, residue mobility, and thermodynamic stability) has been performed for this missense variant. However, the output from this modeling did not meet the statistical confidence thresholds required to predict the impact of this variant on FLNC protein function. In summary, the available evidence is currently insufficient to determine the role of this variant in disease. Therefore, it has been classified as a Variant of Uncertain Significance.